The following is an entry in ClinVar:

NM_000051.4(ATM):c.1803T>G (p.Ser601Arg)

Gene: ATM (ATM serine/threonine kinase; plus strand). Cytogenetic location: 11q22.3.
Variant type: single nucleotide variant.
Coding change: c.1803T>G on transcript NM_000051.4 (MANE Select); coding-DNA position 1803, T replaced by G.
Protein change: p.Ser601Arg; replaces serine 601 with arginine.
Molecular consequence: missense variant.
Genome position (GRCh38, 1-based): chr11:108,252,817, T>G. VCF-style: chr11-108252817-T-G. GRCh37 (hg19) VCF-style: chr11-108123544-T-G.
Other names: c.1803T>G, p.Ser601Arg (NM_001351834.2); short protein forms S601R.
Identifiers: ClinVar variation 3232206 (VCV003232206.1), dbSNP rs2497288876, ClinGen allele CA382535676.

ClinVar aggregate classification (germline): Uncertain significance (1 of 4 stars; one submission).

Conditions:
Hereditary cancer-predisposing syndrome. Also called: Neoplastic Syndromes, Hereditary; Tumor predisposition; Hereditary neoplastic syndrome; Hereditary Cancer Syndrome. Identifiers: Orphanet 140162, MedGen C0027672, MeSH D009386, MONDO:0015356.

Submission:

Ambry Genetics
Classification: Uncertain significance for Hereditary cancer-predisposing syndrome. Last evaluated: 2023-10-08. Review status: criteria provided, single submitter. Criteria: Ambry Variant Classification Scheme 2023. Collection method: clinical testing. Allele origin: germline.
Comment: The p.S601R variant (also known as c.1803T>G) is located in coding exon 11 of the ATM gene. The serine at codon 601 is replaced by arginine, an amino acid with dissimilar properties. This change occurs in the first base pair of coding exon 11. This amino acid position is conserved. In addition, this alteration is predicted to be tolerated by in silico analysis. Since supporting evidence is limited at this time, the clinical significance of this alteration remains unclear.